The following is an entry in ClinVar:

ClinVar aggregate classification (germline): Conflicting classifications of pathogenicity. Review status: criteria provided, conflicting classifications (1 of 4 stars). 2 submissions from 2 submitters: Pathogenic (1); Uncertain significance (1). Last evaluated 2022-03-14.

Conditions:
Early-infantile DEE. Also called: Early infantile epileptic encephalopathy; Early infantile epileptic encephalopathy with suppression bursts; Ohtahara syndrome. Identifiers: Orphanet 1934, MedGen C0393706, MONDO:0800491.
Inborn genetic diseases. Identifiers: MedGen C0950123, MeSH D030342.

Submissions (2):

Labcorp Genetics (formerly Invitae), Labcorp
Classification: Pathogenic for Early-infantile DEE. Last evaluated: 2022-03-14. Review status: criteria provided, single submitter. Criteria: Invitae Variant Classification Sherloc (09022015). Collection method: clinical testing. Allele origin: germline.
Comment: ClinVar contains an entry for this variant (Variation ID: 589794). This variant has been observed in individual(s) with clinical features of SCN1A-related conditions (Invitae). In at least one individual the variant was observed to be de novo. This variant is not present in population databases (gnomAD no frequency). This sequence change affects codon 303 of the SCN1A mRNA. It is a 'silent' change, meaning that it does not change the encoded amino acid sequence of the SCN1A protein. Algorithms developed to predict the effect of sequence changes on RNA splicing suggest that this variant may create or strengthen a splice site. For these reasons, this variant has been classified as Pathogenic.

Ambry Genetics
Classification: Uncertain significance for Inborn genetic diseases. Last evaluated: 2017-01-16. Review status: criteria provided, single submitter. Criteria: Ambry Variant Classification Scheme 2023. Collection method: clinical testing. Allele origin: germline.
Comment: The c.909A>G variant (also known as p.T303T), located in coding exon 6, results from an A to G substitution at nucleotide position 909 of the SCN1A gene. This nucleotide substitution does not change the amino acid at codon 303. Using four different splice site prediction tools, this alteration is predicted to create a new alternate splice donor site, but the new alternate splice donor site is only stronger than the native donor site using the MaxEnt tool; however, direct evidence is unavailable. Since supporting evidence is limited at this time, the clinical significance of this alteration remains unclear.

NM_001165963.4(SCN1A):c.909A>G (p.Thr303=)

Gene: SCN1A (sodium voltage-gated channel alpha subunit 1; minus strand). Cytogenetic location: 2q24.3.
Variant type: single nucleotide variant.
Coding change: c.909A>G on transcript NM_001165963.4 (MANE Select); coding-DNA position 909, A replaced by G.
Protein change: p.Thr303=; no amino-acid change (threonine 303 retained).
Molecular consequence: synonymous variant. On other transcripts: 5 prime UTR variant (1), non-coding transcript variant (1).
Genome position (GRCh38, 1-based): chr2:166,051,774, T>C on the plus strand (A>G on the coding strand, the complement: SCN1A is on the minus strand). VCF-style: chr2-166051774-T-C. GRCh37 (hg19) VCF-style: chr2-166908284-T-C.
Other names: c.909A>G, p.Thr303= (NM_001353949.2, NM_001353950.2, NM_001353951.2 and 10 more transcripts); c.-1517A>G (NM_001353961.2).
Identifiers: ClinVar variation 589794 (VCV000589794.10), dbSNP rs1559237625, ClinGen allele CA429977349.